The following is an entry in ClinVar:

ClinVar aggregate classification (germline): Conflicting classifications of pathogenicity. Review status: criteria provided, conflicting classifications (1 of 4 stars). 3 submissions from 3 submitters: Pathogenic (1); Uncertain significance (1). 1 of the submissions does not count toward it. Last evaluated 2025-04-09.

Conditions:
IGFALS-related disorder. Also called: IGFALS-related condition.
Short stature due to primary acid-labile subunit deficiency. Also called: Acid-labile subunit deficiency; Acid-labile subunit, deficiency of. Identifiers: Orphanet 140941, MedGen C3900122, MONDO:0014420, OMIM 615961.

Submissions (3):

Victorian Clinical Genetics Services, Murdoch Childrens Research Institute
Classification: Uncertain significance for Short stature due to primary acid-labile subunit deficiency. Last evaluated: 2025-04-09. Review status: criteria provided, single submitter. Criteria: ACMG Guidelines, 2015. Collection method: clinical testing. Allele origin: germline.
Comment: This variant is classified as VUS-3A. Evidence in support of pathogenic classification: In-frame insertion in a non-repetitive region that has low conservation; Variant is present in gnomAD <0.01 for a recessive condition (v4: 56 heterozygote(s), 0 homozygote(s)); This variant has limited previous evidence of pathogenicity in unrelated individual(s). This variant has been reported as compound heterozygous in two unrelated families with short stature, some individuals also had delayed puberty (PMID: 17726072; 20591980); This variant has limited evidence for segregation with disease. This variant has segregated with disease in three siblings with short stature, delayed puberty and abnormal endocrine profile (PMID: 17726072). Additional information: This variant is heterozygous; This gene is associated with autosomal recessive disease; Functional evidence for this variant is inconclusive. Western blot analysis showed a marked reduction in IGFBP3 in compound heterozygous siblings that was not present in the heterozygous or wild type individuals. In addition, western immunoblot analysis showed that no 84- to 86-kD ALS protein band was detected in compound heterozygous siblings compared to the heterozygous or wild type individuals (PMID: 17726072). However this does not show a functional impact of the variant; No comparable in-frame insertions variants have previous evidence for pathogenicity; Variant is located in the annotated leucine rich repeat domain (DECIPHER); Loss of function is a known mechanism of disease in this gene and is associated with deficiency of acid-labile subunit (MIM#615961); Inheritance information for this variant is not currently available in this individual.

Blueprint Genetics
Classification: Pathogenic for IGFALS-related disorders. Last evaluated: 2024-02-02. Review status: criteria provided, single submitter. Criteria: ACMG Guidelines, 2015. Collection method: clinical testing. Allele origin: germline. Affected: yes. Observed: 2 variant alleles.

OMIM
Classification: Pathogenic for ACID-LABILE SUBUNIT DEFICIENCY. Last evaluated: 2007-11-01. Review status: no assertion criteria provided. Collection method: literature only. Allele origin: germline. Not counted in ClinVar's aggregate classification.

Literature cited by the submitters: PubMed 17726072 (cited by Victorian Clinical Genetics Services, Murdoch Childrens Research Institute and OMIM).

NM_004970.3(IGFALS):c.583_591dup (p.Ser195_Arg197dup)

Gene: IGFALS (insulin like growth factor binding protein acid labile subunit; minus strand). Cytogenetic location: 16p13.3.
Variant type: Duplication.
Coding change: c.583_591dup on transcript NM_004970.3 (MANE Select); coding-DNA positions 583 to 591, 9 bases duplicated (AGCCTGCGC; older notation c.583_591dupAGCCTGCGC).
Protein change: p.Ser195_Arg197dup.
Molecular consequence: inframe insertion. On other transcripts: non-coding transcript variant (1).
Genome position (GRCh38, 1-based): chr16:1,791,827-1,791,835, GCGCAGGCT duplicated on the plus strand (AGCCTGCGC on the coding strand, the reverse complement: IGFALS is on the minus strand); duplicating any 9 consecutive bases within chr16:1,791,827-1,791,837 gives the same sequence; the c. name uses the placement nearest the transcript's 3' end. VCF-style (leftmost placement, unchanged base first): chr16-1791826-C-CGCGCAGGCT. GRCh37 (hg19) VCF-style: chr16-1841827-C-CGCGCAGGCT.
Other names: c.697_705dup, p.Ser233_Arg235dup (NM_001146006.2).
Identifiers: ClinVar variation 8129 (VCV000008129.4), dbSNP rs606231171, ClinGen allele CA119310.